The following is an entry in ClinVar:

NM_006393.3(NEBL):c.1940A>C (p.Glu647Ala)

Gene: NEBL (nebulette; minus strand). Cytogenetic location: 10p12.31.
Variant type: single nucleotide variant.
Coding change: c.1940A>C on transcript NM_006393.3 (MANE Select); coding-DNA position 1940, A replaced by C.
Protein change: p.Glu647Ala; replaces glutamic acid 647 with alanine.
Molecular consequence: missense variant. On other transcripts: intron variant (9).
Genome position (GRCh38, 1-based): chr10:20,823,230, T>G on the plus strand (A>C on the coding strand, the complement: NEBL is on the minus strand). VCF-style: chr10-20823230-T-G. GRCh37 (hg19) VCF-style: chr10-21112159-T-G.
Other names: c.250-10290A>C (NM_001377326.1, NM_001377327.1, NM_001377328.1); c.358-10290A>C (NM_213569.2, NM_001173484.2, NM_001377322.1); c.301-10290A>C (NM_001377324.1); c.292-10290A>C (NM_001377325.1); c.310-10290A>C (NM_001377323.1); short protein forms E647A.
Identifiers: ClinVar variation 3681344 (VCV003681344.2).

ClinVar aggregate classification (germline): Uncertain significance (1 of 4 stars; one submission).

Conditions:
Primary dilated cardiomyopathy (DCM). Also called: Dilated Cardiomyopathy. Identifiers: Orphanet 217604, MedGen C0007193, MeSH D002311, MONDO:0005021, HP:0001644. Inheritance: Various modes of inheritance.

gnomAD v4.1: 4 of 1,608,278 alleles (0.00025%); highest among the groups gnomAD compares: South Asian, 0.0011%; no homozygotes.

Submission:

Labcorp Genetics (formerly Invitae), Labcorp
Classification: Uncertain significance for Primary dilated cardiomyopathy. Last evaluated: 2024-10-10. Review status: criteria provided, single submitter. Criteria: Invitae Variant Classification Sherloc (09022015). Collection method: clinical testing. Allele origin: germline.
Comment: This sequence change replaces glutamic acid, which is acidic and polar, with alanine, which is neutral and non-polar, at codon 647 of the NEBL protein (p.Glu647Ala). This variant is not present in population databases (gnomAD no frequency). This variant has not been reported in the literature in individuals affected with NEBL-related conditions. An algorithm developed to predict the effect of missense changes on protein structure and function (PolyPhen-2) suggests that this variant is likely to be tolerated. In summary, the available evidence is currently insufficient to determine the role of this variant in disease. Therefore, it has been classified as a Variant of Uncertain Significance.